The following is an entry in ClinVar:

NM_004104.5(FASN):c.5762G>A (p.Arg1921Gln)

Gene: FASN (fatty acid synthase; minus strand). Cytogenetic location: 17q25.3.
Variant type: single nucleotide variant.
Coding change: c.5762G>A on transcript NM_004104.5 (MANE Select); coding-DNA position 5762, G replaced by A.
Protein change: p.Arg1921Gln; replaces arginine 1921 with glutamine.
Molecular consequence: missense variant.
Genome position (GRCh38, 1-based): chr17:82,082,919, C>T on the plus strand (G>A on the coding strand, the complement: FASN is on the minus strand). VCF-style: chr17-82082919-C-T. GRCh37 (hg19) VCF-style: chr17-80040795-C-T.
Other names: c.5762G>A (NM_004104.4); short protein forms R1921Q.
Identifiers: ClinVar variation 1497926 (VCV001497926.10), dbSNP rs148026894, ClinGen allele CA8851573.
Genomic context (GRCh38, chr17:82,082,919, plus strand): 5'-GGGCCCGGGGCTGTGCCTGGCCCAGGCTGGTCCACAAGCACCCCTGCCGACTCACCTGTC[C>T]GGATCCCGGAGCGAGAAGTCAACACGAGCTTCTGCACCCCACGCTGTATCAGCCACTGCG-3'
Protein context (NP_004095.4, residues 1911-1931): KLVLTSRSGI[Arg1921Gln]TGYQAKQVRR

ClinVar aggregate classification (germline): Uncertain significance. Review status: criteria provided, multiple submitters, no conflicts (2 of 4 stars). 2 submissions from 2 submitters: Uncertain significance (2). Last evaluated 2025-10-29.

Conditions:
Epileptic encephalopathy. Identifiers: MedGen C0543888, HP:0200134.

Allele frequency attached by ClinVar (database versions not stated): ExAC 0.00003; gnomAD 0.00003 and 0.00004; gnomAD exomes 0.00003; TOPMed 0.00004; ESP Exome Variant Server 0.00008.
gnomAD v4.1: 43 of 1,612,610 alleles (0.0027%); highest among the groups gnomAD compares: African/African-American, 0.0053%; no homozygotes.

Submissions (2):

Labcorp Genetics (formerly Invitae), Labcorp
Classification: Uncertain significance for Epileptic encephalopathy. Last evaluated: 2025-10-29. Review status: criteria provided, single submitter. Criteria: Invitae Variant Classification Sherloc (09022015). Collection method: clinical testing. Allele origin: germline.
Comment: This sequence change replaces arginine, which is basic and polar, with glutamine, which is neutral and polar, at codon 1921 of the FASN protein (p.Arg1921Gln). This variant is present in population databases (rs148026894, gnomAD 0.007%). This variant has not been reported in the literature in individuals affected with FASN-related conditions. ClinVar contains an entry for this variant (Variation ID: 1497926). An algorithm developed to predict the effect of missense changes on protein structure and function (PolyPhen-2) suggests that this variant is likely to be disruptive. In summary, the available evidence is currently insufficient to determine the role of this variant in disease. Therefore, it has been classified as a Variant of Uncertain Significance.

Ambry Genetics
Classification: Uncertain significance. Last evaluated: 2024-06-03. Review status: criteria provided, single submitter. Criteria: Ambry Variant Classification Scheme 2023. Collection method: clinical testing. Allele origin: germline.